The following is an entry in ClinVar:

ClinVar aggregate classification (germline): Pathogenic (1 of 4 stars; one submission).

Conditions:
Neurofibromatosis, type 1 (NF1). Also called: Peripheral type neurofibromatosis; Neurofibromatosis, type I; VON RECKLINGHAUSEN DISEASE; NEUROFIBROMATOSIS, TYPE I, SOMATIC. Identifiers: Orphanet 636, MedGen C0027831, MONDO:0018975, OMIM 162200. Disease mechanism: loss of function.

Submission:

Labcorp Genetics (formerly Invitae), Labcorp
Classification: Pathogenic for Neurofibromatosis, type 1. Last evaluated: 2019-06-30. Review status: criteria provided, single submitter. Criteria: Invitae Variant Classification Sherloc (09022015). Collection method: clinical testing. Allele origin: germline.
Comment: This variant has not been reported in the literature in individuals with NF1-related conditions. For these reasons, this variant has been classified as Pathogenic. Loss-of-function variants in NF1 are known to be pathogenic (PMID: 10712197, 23913538). This variant is not present in population databases (ExAC no frequency). This sequence change creates a premature translational stop signal (p.Asp1600*) in the NF1 gene. It is expected to result in an absent or disrupted protein product.

Literature cited by the submitters: PubMed 10712197; PubMed 23913538.

NM_001042492.3(NF1):c.4860dup (p.Asp1621Ter)

Gene: NF1 (neurofibromin 1; plus strand). Cytogenetic location: 17q11.2.
Variant type: Duplication.
Coding change: c.4860dup on transcript NM_001042492.3 (MANE Select); coding-DNA position 4860, one base duplicated (T; older notation c.4860dupT).
Protein change: p.Asp1621Ter; replaces aspartic acid 1621 with a stop codon.
Molecular consequence: nonsense. On other transcripts: frameshift variant (1).
Genome position (GRCh38, 1-based): chr17:31,325,844, T duplicated. VCF-style (leftmost placement, unchanged base first): chr17-31325843-G-GT. GRCh37 (hg19) VCF-style: chr17-29652861-G-GT.
Other names: c.4797dup, p.Asp1600Terfs (NM_000267.4); short protein forms D1600*, D1621*.
Identifiers: ClinVar variation 943267 (VCV000943267.6), dbSNP rs2069325872, ClinGen allele CA1139665379.